The following is an entry in ClinVar:

ClinVar aggregate classification (germline): Uncertain significance. Review status: criteria provided, multiple submitters, no conflicts (2 of 4 stars). 2 submissions from 2 submitters: Uncertain significance (2). Last evaluated 2025-05-23.

Conditions:
Inborn genetic diseases. Identifiers: MedGen C0950123, MeSH D030342.
Fanconi anemia (FA). Also called: Fanconi's anemia. Identifiers: Orphanet 84, MedGen C0015625, MeSH D005199, MONDO:0019391.

Allele frequency attached by ClinVar (database versions not stated): gnomAD exomes below 0.00001.
gnomAD v4.1: 1 of 1,613,660 alleles (0.000062%); highest among the groups gnomAD compares: Admixed American, 0.0017%; no homozygotes.

Submissions (2):

Ambry Genetics
Classification: Uncertain significance for Inborn genetic diseases. Last evaluated: 2025-05-23. Review status: criteria provided, single submitter. Criteria: Ambry Variant Classification Scheme 2023. Collection method: clinical testing. Allele origin: germline.
Comment: The p.R576T variant (also known as c.1727G>C), located in coding exon 19 of the FANCA gene, results from a G to C substitution at nucleotide position 1727. The arginine at codon 576 is replaced by threonine, an amino acid with similar properties. This amino acid position is conserved. In addition, this alteration is predicted to be deleterious by in silico analysis. Based on the available evidence, the clinical significance of this variant remains unclear.

Labcorp Genetics (formerly Invitae), Labcorp
Classification: Uncertain significance for Fanconi anemia. Last evaluated: 2024-10-30. Review status: criteria provided, single submitter. Criteria: Invitae Variant Classification Sherloc (09022015). Collection method: clinical testing. Allele origin: germline.
Comment: This sequence change replaces arginine, which is basic and polar, with threonine, which is neutral and polar, at codon 576 of the FANCA protein (p.Arg576Thr). This variant is present in population databases (no rsID available, gnomAD 0.003%). This variant has not been reported in the literature in individuals affected with FANCA-related conditions. ClinVar contains an entry for this variant (Variation ID: 1389413). Invitae Evidence Modeling of protein sequence and biophysical properties (such as structural, functional, and spatial information, amino acid conservation, physicochemical variation, residue mobility, and thermodynamic stability) indicates that this missense variant is expected to disrupt FANCA protein function with a positive predictive value of 95%. In summary, the available evidence is currently insufficient to determine the role of this variant in disease. Therefore, it has been classified as a Variant of Uncertain Significance.

NM_000135.4(FANCA):c.1727G>C (p.Arg576Thr)

Gene: FANCA (FA complementation group A; minus strand). Cytogenetic location: 16q24.3.
Variant type: single nucleotide variant.
Coding change: c.1727G>C on transcript NM_000135.4 (MANE Select); coding-DNA position 1727, G replaced by C.
Protein change: p.Arg576Thr; replaces arginine 576 with threonine.
Molecular consequence: missense variant.
Genome position (GRCh38, 1-based): chr16:89,778,992, C>G on the plus strand (G>C on the coding strand, the complement: FANCA is on the minus strand). VCF-style: chr16-89778992-C-G. GRCh37 (hg19) VCF-style: chr16-89845400-C-G.
Other names: c.1727G>C (NM_000135.2); c.1727G>C, p.Arg576Thr (NM_001286167.3); short protein forms R576T.
Identifiers: ClinVar variation 1389413 (VCV001389413.9), dbSNP rs1047794894, ClinGen allele CA286574285.